The following is an entry in ClinVar:

ClinVar aggregate classification (germline): Uncertain significance (1 of 4 stars; one submission).

Conditions:
Malignant hyperthermia, susceptibility to, 1 (MHS1). Also called: RYR1-Related Malignant Hyperthermia Susceptibility; Malignant hyperthermia suceptibility 1; Anesthesia related hyperthermia; Malignant hyperpyrexia; Fulminating hyperpyrexia; Pharmacogenic myopathy. Identifiers: Orphanet 423, MedGen C2930980, MONDO:0007783, OMIM 145600.

Submission:

Color Diagnostics, LLC DBA Color Health
Classification: Uncertain significance for Malignant hyperthermia, susceptibility to, 1. Last evaluated: 2025-06-17. Review status: criteria provided, single submitter. Criteria: ACMG Guidelines, 2015. Collection method: clinical testing. Allele origin: germline.
Comment: This missense variant replaces leucine with methionine at codon 2295 of the RYR1 protein. Computational prediction suggests that this variant may have deleterious impact on protein structure and function. To our knowledge, functional studies have not been reported for this variant. This variant has not been reported in individuals affected with RYR1-related disorders in the literature. This variant has not been identified in the general population by the Genome Aggregation Database (gnomAD). The available evidence is insufficient to determine the role of this variant in disease conclusively. Therefore, this variant is classified as a Variant of Uncertain Significance.

NM_000540.3(RYR1):c.6883C>A (p.Leu2295Met)

Gene: RYR1 (ryanodine receptor 1; plus strand). Cytogenetic location: 19q13.2.
Variant type: single nucleotide variant.
Coding change: c.6883C>A on transcript NM_000540.3 (MANE Select); coding-DNA position 6883, C replaced by A.
Protein change: p.Leu2295Met; replaces leucine 2295 with methionine.
Molecular consequence: missense variant.
Genome position (GRCh38, 1-based): chr19:38,496,946, C>A. VCF-style: chr19-38496946-C-A. GRCh37 (hg19) VCF-style: chr19-38987586-C-A.
Other names: c.6883C>A, p.Leu2295Met (NM_001042723.2); short protein forms L2295M.
Identifiers: ClinVar variation 4757319 (VCV004757319.1).